The following is an entry in ClinVar:

ClinVar aggregate classification (germline): Uncertain significance (1 of 4 stars; one submission).

Conditions:
Pierson syndrome. Also called: MICROCORIA-CONGENITAL NEPHROTIC SYNDROME. Identifiers: Orphanet 2670, MedGen C1836876, MONDO:0012184, OMIM 609049.
LAMB2-related infantile-onset nephrotic syndrome. Also called: Nephrotic Syndrome, type 5; NEPHROTIC SYNDROME, TYPE 5, WITHOUT OCULAR ABNORMALITIES; NEPHROTIC SYNDROME, TYPE 5, WITH OCULAR ABNORMALITIES. Identifiers: Orphanet 306507, MedGen C3280113, MONDO:0013621, OMIM 614199.

Submission:

Labcorp Genetics (formerly Invitae), Labcorp
Classification: Uncertain significance for LAMB2-related infantile-onset nephrotic syndrome; Pierson syndrome. Last evaluated: 2019-07-03. Review status: criteria provided, single submitter. Criteria: Invitae Variant Classification Sherloc (09022015). Collection method: clinical testing. Allele origin: germline.
Comment: This sequence change affects codon 673 the LAMB2 mRNA. It is a 'silent' change, meaning that it does not change the encoded amino acid sequence of the LAMB2 protein. This variant is not present in population databases (ExAC no frequency). This variant has not been reported in the literature in individuals with LAMB2-related conditions. In summary, the available evidence is currently insufficient to determine the role of this variant in disease. Therefore, it has been classified as a Variant of Uncertain Significance. Algorithms developed to predict the effect of sequence changes on RNA splicing suggest that this variant is not likely to affect RNA splicing, but this prediction has not been confirmed by published transcriptional studies.

NM_002292.4(LAMB2):c.2019G>A (p.Arg673=)

Gene: LAMB2 (laminin subunit beta 2; minus strand). Cytogenetic location: 3p21.31.
Variant type: single nucleotide variant.
Coding change: c.2019G>A on transcript NM_002292.4 (MANE Select); coding-DNA position 2019, G replaced by A.
Protein change: p.Arg673=; no amino-acid change (arginine 673 retained).
Molecular consequence: synonymous variant.
Genome position (GRCh38, 1-based): chr3:49,126,497, C>T on the plus strand (G>A on the coding strand, the complement: LAMB2 is on the minus strand). VCF-style: chr3-49126497-C-T. GRCh37 (hg19) VCF-style: chr3-49163930-C-T.
Identifiers: ClinVar variation 944653 (VCV000944653.7), dbSNP rs748124251, ClinGen allele CA433635970.